The following is an entry in ClinVar:

ClinVar aggregate classification (germline): Uncertain significance (1 of 4 stars; one submission).

Submission:

CeGaT Center for Human Genetics Tuebingen
Classification: Uncertain significance. Last evaluated: 2025-02-01. Review status: criteria provided, single submitter. Criteria: CeGaT Center For Human Genetics Tuebingen Variant Classification Criteria Version 2. Collection method: clinical testing. Allele origin: germline. Affected: yes. Observed: 1 variant allele.
Comment: PRPF8: PM2, PP2, PP3, BP5

NM_006445.4(PRPF8):c.3374T>C (p.Ile1125Thr)

Gene: PRPF8 (pre-mRNA processing factor 8; minus strand). Cytogenetic location: 17p13.3.
Variant type: single nucleotide variant.
Coding change: c.3374T>C on transcript NM_006445.4 (MANE Select); coding-DNA position 3374, T replaced by C.
Protein change: p.Ile1125Thr; replaces isoleucine 1125 with threonine.
Molecular consequence: missense variant.
Genome position (GRCh38, 1-based): chr17:1,673,818, A>G on the plus strand (T>C on the coding strand, the complement: PRPF8 is on the minus strand). VCF-style: chr17-1673818-A-G. GRCh37 (hg19) VCF-style: chr17-1577112-A-G.
Other names: short protein forms I1125T.
Identifiers: ClinVar variation 3772471 (VCV003772471.13).
Genomic context (GRCh38, chr17:1,673,818, plus strand): 5'-TGTTTCATGAGGCGCATGCGGGCATCTCGGGGCCAGCACTTCTTGTTATTATAGCCAACG[A>G]TGTTTTCATTATTGGGGTCAGGGTGCTCTGTCAGGTAACGTTGAATCAGGTCCCGAGCCT-3'
Protein context (NP_006436.3, residues 1115-1135): TEHPDPNNEN[Ile1125Thr]VGYNNKKCWP